The following is an entry in ClinVar:

NM_134261.3(RORA):c.130C>G (p.Pro44Ala)

Gene: RORA (RAR related orphan receptor A; minus strand). Cytogenetic location: 15q22.2.
Variant type: single nucleotide variant.
Coding change: c.130C>G on transcript NM_134261.3 (MANE Select); coding-DNA position 130, C replaced by G.
Protein change: p.Pro44Ala; replaces proline 44 with alanine.
Molecular consequence: missense variant.
Genome position (GRCh38, 1-based): chr15:61,229,089, G>C on the plus strand (C>G on the coding strand, the complement: RORA is on the minus strand). VCF-style: chr15-61229089-G-C. GRCh37 (hg19) VCF-style: chr15-61521288-G-C.
Other names: short protein forms P44A.
Identifiers: ClinVar variation 1310465 (VCV001310465.2), dbSNP rs2140955549, ClinGen allele CA392802254.

ClinVar aggregate classification (germline): Uncertain significance (1 of 4 stars; one submission).

Allele frequency attached by ClinVar (database versions not stated): gnomAD exomes below 0.00001.
gnomAD v4.1: 1 of 1,538,944 alleles (0.000065%); highest among the groups gnomAD compares: African/African-American, 0.0014%; no homozygotes.

Submission:

GeneDx
Classification: Uncertain significance. Last evaluated: 2019-11-20. Review status: criteria provided, single submitter. Criteria: GeneDx Variant Classification Process June 2021. Collection method: clinical testing. Allele origin: germline. Affected: yes.
Comment: Not observed in large population cohorts (Lek et al., 2016); In silico analysis, which includes protein predictors and evolutionary conservation, supports that this variant does not alter protein structure/function; Has not been previously published as pathogenic or benign to our knowledge